The following is an entry in ClinVar:

NM_006593.4(TBR1):c.1648C>T (p.Pro550Ser)

Gene: TBR1 (T-box brain transcription factor 1; plus strand). Cytogenetic location: 2q24.2.
Variant type: single nucleotide variant.
Coding change: c.1648C>T on transcript NM_006593.4 (MANE Select); coding-DNA position 1648, C replaced by T.
Protein change: p.Pro550Ser; replaces proline 550 with serine.
Molecular consequence: missense variant.
Genome position (GRCh38, 1-based): chr2:161,423,826, C>T. VCF-style: chr2-161423826-C-T. GRCh37 (hg19) VCF-style: chr2-162280337-C-T.
Other names: short protein forms P550S.
Identifiers: ClinVar variation 1777190 (VCV001777190.3), dbSNP rs1033104710, ClinGen allele CA59552796.
Genomic context (GRCh38, chr2:161,423,826, plus strand): 5'-GGCTGCACTGGCCGCCCGCTCGGCTACTACGCCGACCCGTCGGGCTGGGGCGCCCGCAGT[C>T]CCCCGCAGTACTGCGGCACCAAGTCGGGCTCGGTGCTGCCCTGCTGGCCCAACAGCGCCG-3'
Protein context (NP_006584.1, residues 540-560): ADPSGWGARS[Pro550Ser]PQYCGTKSGS

ClinVar aggregate classification (germline): Uncertain significance. Review status: criteria provided, multiple submitters, no conflicts (2 of 4 stars). 2 submissions from 2 submitters: Uncertain significance (2). Last evaluated 2022-11-14.

Conditions:
Intellectual developmental disorder with autism and speech delay. Also called: Autism 5; AUTISM-RELATED SPEECH DELAY; PHRASE SPEECH DELAY, AUTISM-RELATED; AUTS5; Autism, susceptibility to, 5. Identifiers: MedGen C1853755, MONDO:0011627, OMIM 606053.
Inborn genetic diseases. Identifiers: MedGen C0950123, MeSH D030342.

Allele frequency attached by ClinVar (database versions not stated): gnomAD 0.00003; TOPMed 0.00006.

Submissions (2):

Pittsburgh Clinical Genomics Laboratory, University of Pittsburgh Medical Center
Classification: Uncertain significance for Intellectual developmental disorder with autism and speech delay. Last evaluated: 2022-11-14. Review status: criteria provided, single submitter. Criteria: ACMG Guidelines, 2015. Collection method: clinical testing. Allele origin: germline. Inheritance: Autosomal dominant inheritance. Affected: yes.
Comment: This sequence variant is a single nucleotide substitution (C>T) at coding position 1648 of the TBR1 gene that results in a proline to serine amino acid change at residue 550 of the TBR1 protein. This variant has not been previously reported in databases of clinically relevant variants, or observed in the literature in individuals with TBR1-related disease, to our knowledge. This variant is present in the gnomAD population database (3 of 114776 alleles or 0.0026%). Bioinformatic tools provide mixed predictions as to whether this variant would be damaging or tolerated, and the Pro550 residue is well conserved across the mammalian species examined. Functiol studies testing the effect of this variant, found in the T-box transcription factor associate domain, have not been performed, to our knowledge. At this time, there is insufficient evidence to determine if this variant is pathogenic or benign. Therefore, we consider this to be a variant of uncertain significance. ACMG Criteria: PM2

Ambry Genetics
Classification: Uncertain significance for Inborn genetic diseases. Last evaluated: 2021-06-03. Review status: criteria provided, single submitter. Criteria: Ambry Variant Classification Scheme 2023. Collection method: clinical testing. Allele origin: germline.